The following is an entry in ClinVar:

NM_000088.4(COL1A1):c.4339G>A (p.Val1447Ile)

Gene: COL1A1 (collagen type I alpha 1 chain; minus strand). Cytogenetic location: 17q21.33.
Variant type: single nucleotide variant.
Coding change: c.4339G>A on transcript NM_000088.4 (MANE Select); coding-DNA position 4339, G replaced by A.
Protein change: p.Val1447Ile; replaces valine 1447 with isoleucine.
Molecular consequence: missense variant.
Genome position (GRCh38, 1-based): chr17:50,185,558, C>T on the plus strand (G>A on the coding strand, the complement: COL1A1 is on the minus strand). VCF-style: chr17-50185558-C-T. GRCh37 (hg19) VCF-style: chr17-48262919-C-T.
Other names: short protein forms V1447I.
Identifiers: ClinVar variation 379245 (VCV000379245.12), dbSNP rs367952133, ClinGen allele CA8644177.

ClinVar aggregate classification (germline): Conflicting classifications of pathogenicity. Review status: criteria provided, conflicting classifications (1 of 4 stars). 5 submissions from 3 submitters: Uncertain significance (3); Likely benign (2). Last evaluated 2025-09-22.

Conditions:
Ehlers-Danlos syndrome, arthrochalasia type. Also called: Ehlers-Danlos syndrome, arthrochalasis type; Ehlers-Danlos syndrome, arthrochalasia type, 1; EDS VII, MUTANT PROCOLLAGEN TYPE; EDS VIIA; ARTHROCHALASIS MULTIPLEX CONGENITA. Identifiers: Orphanet 1899, Orphanet 99875, Orphanet 99876, MedGen C4551623, MONDO:0007525, OMIM 130060.
Infantile cortical hyperostosis. Also called: Caffey Disease; P1PK BLOOD GROUP SYSTEM, P(2) PHENOTYPE; Hyperostosis, Cortical, Congenital. Identifiers: Orphanet 1310, MedGen C0020497, MONDO:0007244, OMIM 114000.
Osteogenesis imperfecta type I (OI1). Also called: OI, TYPE I; OSTEOGENESIS IMPERFECTA TARDA; OSTEOGENESIS IMPERFECTA WITH BLUE SCLERAE; Lobstein disease; Classic Non-deforming Osteogenesis Imperfecta with Blue Sclerae; Lobstein's Disease. Identifiers: Orphanet 216796, Orphanet 666, MedGen C0023931, MONDO:0008146, OMIM 166200. Disease mechanism: loss of function.
Osteogenesis imperfecta (OI). Identifiers: Orphanet 666, MedGen C0029434, MeSH D010013, MONDO:0019019.

Allele frequency attached by ClinVar (database versions not stated): TOPMed 0.00001; ESP Exome Variant Server 0.00008; gnomAD 0.00001.
gnomAD v4.1: 28 of 1,613,462 alleles (0.0017%); highest among the groups gnomAD compares: South Asian, 0.0033%; no homozygotes.

Submissions (5):

Labcorp Genetics (formerly Invitae), Labcorp
Classification: Likely benign for Osteogenesis imperfecta type I. Last evaluated: 2025-09-22. Review status: criteria provided, single submitter. Criteria: Invitae Variant Classification Sherloc (09022015). Collection method: clinical testing. Allele origin: germline.

GeneDx
Classification: Uncertain significance. Last evaluated: 2021-03-31. Review status: criteria provided, single submitter. Criteria: GeneDx Variant Classification Process June 2021. Collection method: clinical testing. Allele origin: germline. Affected: yes.
Comment: Has not been previously published as pathogenic or benign to our knowledge; Not observed at a significant frequency in large population cohorts (Lek et al., 2016); In silico analysis supports that this missense variant does not alter protein structure/function

Illumina Laboratory Services, Illumina
Classification: Uncertain significance for Osteogenesis imperfecta. Last evaluated: 2018-01-12. Review status: criteria provided, single submitter. Criteria: ICSL Variant Classification Criteria 13 December 2019. Collection method: clinical testing. Allele origin: germline.

Illumina Laboratory Services, Illumina
Classification: Uncertain significance for Infantile cortical hyperostosis. Last evaluated: 2018-01-12. Review status: criteria provided, single submitter. Criteria: ICSL Variant Classification Criteria 13 December 2019. Collection method: clinical testing. Allele origin: germline.

Illumina Laboratory Services, Illumina
Classification: Likely benign for Ehlers-Danlos syndrome, arthrochalasia type. Last evaluated: 2018-01-12. Review status: criteria provided, single submitter. Criteria: ICSL Variant Classification Criteria 13 December 2019. Collection method: clinical testing. Allele origin: germline.
Comment: This variant was observed in the ICSL laboratory as part of a predisposition screen in an ostensibly healthy population. It had not been previously curated by ICSL or reported in the Human Gene Mutation Database (HGMD: prior to June 1st, 2018), and was therefore a candidate for classification through an automated scoring system. Utilizing variant allele frequency, disease prevalence and penetrance estimates, and inheritance mode, an automated score was calculated to assess if this variant is too frequent to cause the disease. Based on the score and internal cut-off values, a variant classified as likely benign is not then subjected to further curation. The score for this variant resulted in a classification of likely benign for this disease.